The following is an entry in ClinVar:

ClinVar aggregate classification (germline): Likely benign. Review status: criteria provided, single submitter (1 of 4 stars). 2 submissions from 2 submitters: Likely benign (1). 1 of the submissions does not count toward it. Last evaluated 2024-02-19.

Conditions:
OTOA-related disorder. Also called: OTOA-related condition.

Submissions (2):

Labcorp Genetics (formerly Invitae), Labcorp
Classification: Likely benign. Last evaluated: 2024-02-19. Review status: criteria provided, single submitter. Criteria: Invitae Variant Classification Sherloc (09022015). Collection method: clinical testing. Allele origin: germline.

PreventionGenetics, part of Exact Sciences
Classification: Likely benign for OTOA-related condition. Last evaluated: 2019-08-16. Review status: no assertion criteria provided. Collection method: clinical testing. Allele origin: germline. Not counted in ClinVar's aggregate classification.
Comment: This variant is classified as likely benign based on ACMG/AMP sequence variant interpretation guidelines (Richards et al. 2015 PMID: 25741868, with internal and published modifications).

NM_144672.4(OTOA):c.841-5del

Gene: OTOA (otoancorin). Cytogenetic location: 16p12.2.
Variant type: Deletion.
Coding change: c.841-5del on transcript NM_144672.4 (MANE Select); 5 bases into the intron before coding-DNA position 841, one base deleted.
Molecular consequence: intron variant.
Genome position: GRCh38 VCF-style: chr16-21700881-CA-C. GRCh37 (hg19) VCF-style: chr16-21712202-CA-C.
Other names: c.604-5del (NM_001161683.2); c.841-5delA (NM_144672.3).
Identifiers: ClinVar variation 2970087 (VCV002970087.4), dbSNP rs778706482, ClinGen allele CA7952446.